The following is an entry in ClinVar:

ClinVar aggregate classification (germline): Conflicting classifications of pathogenicity. Review status: criteria provided, conflicting classifications (1 of 4 stars). 7 submissions from 7 submitters: Pathogenic (4); Likely pathogenic (2); Uncertain significance (1). Last evaluated 2026-10-14.

Conditions:
Cataract 1 multiple types. Also called: CATARACT, DUFFY-LINKED; CATARACT 1, NUCLEAR PROGRESSIVE; CATARACT 1 WITH MICROCORNEA; CATARACT 1, POSTERIOR SUBCAPSULAR, WITH MICROCORNEA; CATARACT 1, STELLATE NUCLEAR, WITH MICROCORNEA; CATARACT 1, MULTIPLE TYPES, WITH OR WITHOUT MICROCORNEA. Identifiers: Orphanet 1377, MedGen C1861828, MONDO:0007285, OMIM 116200.
GJA8-related disorders.

Submissions (7):

Suma Genomics
Classification: Pathogenic for Cataract 1 multiple types. Last evaluated: 2026-10-14. Review status: criteria provided, single submitter. Criteria: ACMG Guidelines, 2015. Collection method: clinical testing. Allele origin: de novo. Inheritance: Autosomal dominant inheritance. Affected: yes. Observed: 1 variant allele, 1 heterozygote.
Comment: In-silico analysis tool REVEL is consistent in predicting this variant to be disease-causing. Monoallelic disease-causing variants in GJA8 are associated with Cataract 1, multiple types (MIM# 116200). ACMG classification: Pathogenic Criteria met: PM2_Supporting, PM5, PM6_Strong, PP1_Strong, PP3_Strong and PP4

Broad Center for Mendelian Genomics, Broad Institute of MIT and Harvard
Classification: Likely pathogenic for Cataract 1 multiple types. Last evaluated: 2026-08-12. Review status: criteria provided, single submitter. Criteria: ACMG Guidelines, 2015. Collection method: research. Allele origin: germline. Inheritance: Autosomal dominant inheritance. Study: GREGoR Consortium.
Comment: The p.Arg76Cys variant in GJA8 has been reported in at least three individuals with congenital cataracts (PMID: 23508780, 34014271, PMID: 40301690), and was absent from large population studies. This variant has been reported in ClinVar (Variation ID: 1454428) and has been interpreted as pathogenic by Labcorp Genetics (formerly Invitae) and Neuberg Centre For Genomic Medicine, likely pathogenic by Molecular Genetics of Human Eye Development, Oxford Brookes University, and a variant of uncertain significance by Dept. Genetics and Cancer, Menzies Institute for Medical Research, University of Tasmania. This variant was found to be de novo in at least 1 individual with confirmed paternity and maternity (PMID: 33923544). The number of reported affected individuals with this variant is greater than expected compared to non-affected individuals with this variant. In vitro functional studies provide some evidence that the variant may impact protein function (PMID: 37395717, 40158616). However, these types of assays may not accurately represent biological function. Computational prediction tools and conservation analyses suggest that this variant may impact the protein, though this information is not predictive enough to determine pathogenicity. One additional likely pathogenic variant, resulting in a different amino acid change at the same position, p.Arg76His, has been reported in association with disease in ClinVar and the literature, slightly supporting that a change at this position may not be tolerated (Variation ID: 1328353, PMID: 37395717). In summary, although additional studies are required to fully establish its clinical significance, this variant is likely pathogenic for autosomal dominant congenital cataracts. ACMG/AMP Criteria applied: PP3_moderate, PS2_moderate, PM2_supporting, PM5_supporting, PS3_supporting, PS4_supporting (Richards 2015).

Molecular Genetics of Human Eye Development, Oxford Brookes University
Classification: Likely pathogenic for Cataract 1 multiple types. Last evaluated: 2025-02-18. Review status: criteria provided, single submitter. Criteria: ACMG Guidelines, 2015. Collection method: clinical testing. Allele origin: unknown. Affected: yes. Observed: 1 variant allele.
Comment: The GJA8 c.226C>T; The variant is absent in genomic databases, including gnomAD v4.1, and predicted deleterious/damaging by several in silico prediction tools including SIFT, PolyPhen and AlphaMissense. The variant has been previously reported in patients with congential eye anomalies (PMID: 33923544; PMID: 23508780). The variant is classified pathogenic using PS1, PM1, PM2, PP3.

Neuberg Centre For Genomic Medicine, NCGM
Classification: Pathogenic for Cataract 1 multiple types. Last evaluated: 2024-02-01. Review status: criteria provided, single submitter. Criteria: ACMG Guidelines, 2015. Collection method: clinical testing. Allele origin: germline. Inheritance: Autosomal dominant inheritance. Affected: yes.
Comment: The missense c.226C>T (p.Arg76Cys) in GJA8 has been reported previously in an individual affected with congenital cataracts (Reis et al., 2013). It has also been observed to segregate with disease in related individuals. Other variant(s) [c.227G > A, p.Arg76His] that disrupt this residue have been determined to be pathogenic (Wang et al., 2020; Yu et al., 2016). This suggests that this residue is clinically significant, and that variants that disrupt this residue are likely to be disease-causing

Labcorp Genetics (formerly Invitae), Labcorp
Classification: Pathogenic for Cataract 1 multiple types. Last evaluated: 2023-05-23. Review status: criteria provided, single submitter. Criteria: Invitae Variant Classification Sherloc (09022015). Collection method: clinical testing. Allele origin: germline.
Comment: For these reasons, this variant has been classified as Pathogenic. This variant disrupts the p.Arg76 amino acid residue in GJA8. Other variant(s) that disrupt this residue have been determined to be pathogenic (PMID: 27216975, 30928190). This suggests that this residue is clinically significant, and that variants that disrupt this residue are likely to be disease-causing. Advanced modeling of protein sequence and biophysical properties (such as structural, functional, and spatial information, amino acid conservation, physicochemical variation, residue mobility, and thermodynamic stability) performed at Invitae indicates that this missense variant is expected to disrupt GJA8 protein function. ClinVar contains an entry for this variant (Variation ID: 1454428). This missense change has been observed in individuals with autosomal dominant congenital cataracts (PMID: 23508780; Invitae). It has also been observed to segregate with disease in related individuals. This variant is not present in population databases (gnomAD no frequency). This sequence change replaces arginine, which is basic and polar, with cysteine, which is neutral and slightly polar, at codon 76 of the GJA8 protein (p.Arg76Cys).

Dept. Genetics and Cancer, Menzies Institute for Medical Research, University of Tasmania
Classification: Uncertain significance for Cataract 1 multiple types. Last evaluated: 2023-01-21. Review status: criteria provided, single submitter. Criteria: ACMG Guidelines, 2015. Collection method: curation. Allele origin: germline. Affected: yes.
Comment: Variant identified and curated during a GJA8 specific review of the literature in relation to pediatric or congenital cataract. ACMG-AMP criteria applied: PS4(Supporting), PM1(Supporting), PM2(Supporting), PM5(Supporting), PP3. Original variant report: PMID:23508780;33923544;34014271;34169787. The cataract phenotype reported for this variant is: Posterior subcapsular. Additional phenotype/s reported in these individual/s are: Pupil defects and glaucoma, and microcornea. Gene review and curation guidelines are outlined in: DOI 10.1080/17469899.2023.2160320

Blueprint Genetics
Classification: Pathogenic for GJA8-related disorders. Last evaluated: 2021-07-23. Review status: criteria provided, single submitter. Criteria: ACMG Guidelines, 2015. Collection method: clinical testing. Allele origin: germline. Affected: yes. Observed: 3 variant alleles.

Literature cited by the submitters: PubMed 40158616 (cited by Broad Center for Mendelian Genomics, Broad Institute of MIT and Harvard); PubMed 37395717 (cited by Broad Center for Mendelian Genomics, Broad Institute of MIT and Harvard); PubMed 23508780 (cited by 3 submitters); PubMed 27216975 (cited by Labcorp Genetics (formerly Invitae), Labcorp); PubMed 30928190 (cited by Labcorp Genetics (formerly Invitae), Labcorp); PubMed 33923544 (cited by Dept. Genetics and Cancer, Menzies Institute for Medical Research, University of Tasmania); PubMed 34014271 (cited by Dept. Genetics and Cancer, Menzies Institute for Medical Research, University of Tasmania); PubMed 34169787 (cited by Dept. Genetics and Cancer, Menzies Institute for Medical Research, University of Tasmania).

NM_005267.5(GJA8):c.226C>T (p.Arg76Cys)

Gene: GJA8 (gap junction protein alpha 8; plus strand). Cytogenetic location: 1q21.2.
Variant type: single nucleotide variant.
Coding change: c.226C>T on transcript NM_005267.5 (MANE Select); coding-DNA position 226, C replaced by T.
Protein change: p.Arg76Cys; replaces arginine 76 with cysteine.
Molecular consequence: missense variant.
Genome position (GRCh38, 1-based): chr1:147,908,181, C>T. VCF-style: chr1-147908181-C-T. GRCh37 (hg19) VCF-style: chr1-147380308-C-T.
Other names: NM_005267.5(GJA8):c.226C>T; p.Arg76Cys; short protein forms R76C.
Identifiers: ClinVar variation 1454428 (VCV001454428.15), dbSNP rs1553242577, ClinGen allele CA342223595.